The following is an entry in ClinVar:

ClinVar aggregate classification (germline): Uncertain significance. Review status: criteria provided, multiple submitters, no conflicts (2 of 4 stars). 3 submissions from 3 submitters: Uncertain significance (3). Last evaluated 2024-04-12.

Conditions:
LAMB2-related infantile-onset nephrotic syndrome. Also called: Nephrotic Syndrome, type 5; NEPHROTIC SYNDROME, TYPE 5, WITHOUT OCULAR ABNORMALITIES; NEPHROTIC SYNDROME, TYPE 5, WITH OCULAR ABNORMALITIES. Identifiers: Orphanet 306507, MedGen C3280113, MONDO:0013621, OMIM 614199.
Pierson syndrome. Also called: MICROCORIA-CONGENITAL NEPHROTIC SYNDROME. Identifiers: Orphanet 2670, MedGen C1836876, MONDO:0012184, OMIM 609049.

Allele frequency attached by ClinVar (database versions not stated): gnomAD 0.00001; gnomAD exomes 0.00001 and 0.00002; ExAC 0.00002; TOPMed 0.00002; 1000 Genomes Project 30x 0.00031; 1000 Genomes Project 0.00040.
gnomAD v4.1: 22 of 1,614,034 alleles (0.0014%); highest among the groups gnomAD compares: Middle Eastern, 0.033%; no homozygotes.

Submissions (3):

Fulgent Genetics
Classification: Uncertain significance for Pierson syndrome; LAMB2-related infantile-onset nephrotic syndrome. Last evaluated: 2024-04-12. Review status: criteria provided, single submitter. Criteria: ACMG Guidelines, 2015. Collection method: clinical testing. Allele origin: germline.

Labcorp Genetics (formerly Invitae), Labcorp
Classification: Uncertain significance for LAMB2-related infantile-onset nephrotic syndrome; Pierson syndrome. Last evaluated: 2022-06-04. Review status: criteria provided, single submitter. Criteria: Invitae Variant Classification Sherloc (09022015). Collection method: clinical testing. Allele origin: germline.
Comment: This sequence change replaces arginine, which is basic and polar, with cysteine, which is neutral and slightly polar, at codon 1719 of the LAMB2 protein (p.Arg1719Cys). This variant is present in population databases (rs201458234, gnomAD 0.01%). In summary, the available evidence is currently insufficient to determine the role of this variant in disease. Therefore, it has been classified as a Variant of Uncertain Significance. Algorithms developed to predict the effect of missense changes on protein structure and function (SIFT, PolyPhen-2, Align-GVGD) all suggest that this variant is likely to be disruptive. ClinVar contains an entry for this variant (Variation ID: 472494). This variant has not been reported in the literature in individuals affected with LAMB2-related conditions.

Blueprint Genetics
Classification: Uncertain significance. Last evaluated: 2021-01-25. Review status: criteria provided, single submitter. Criteria: ACMG Guidelines, 2015. Collection method: clinical testing. Allele origin: germline.

NM_002292.4(LAMB2):c.5155C>T (p.Arg1719Cys)

Gene: LAMB2 (laminin subunit beta 2; minus strand). Cytogenetic location: 3p21.31.
Variant type: single nucleotide variant.
Coding change: c.5155C>T on transcript NM_002292.4 (MANE Select); coding-DNA position 5155, C replaced by T.
Protein change: p.Arg1719Cys; replaces arginine 1719 with cysteine.
Molecular consequence: missense variant.
Genome position (GRCh38, 1-based): chr3:49,121,538, G>A on the plus strand (C>T on the coding strand, the complement: LAMB2 is on the minus strand). VCF-style: chr3-49121538-G-A. GRCh37 (hg19) VCF-style: chr3-49158971-G-A.
Other names: short protein forms R1719C.
Identifiers: ClinVar variation 472494 (VCV000472494.11), dbSNP rs201458234, ClinGen allele CA2393590.